The following is an entry in ClinVar:

ClinVar aggregate classification (germline): Uncertain significance (1 of 4 stars; one submission).

Allele frequency attached by ClinVar (database versions not stated): TOPMed below 0.00001; gnomAD exomes 0.00002.
gnomAD v4.1: 35 of 1,585,972 alleles (0.0022%); highest among the groups gnomAD compares: Non-Finnish European, 0.0029%; no homozygotes.

Submission:

Labcorp Genetics (formerly Invitae), Labcorp
Classification: Uncertain significance. Last evaluated: 2023-08-27. Review status: criteria provided, single submitter. Criteria: Invitae Variant Classification Sherloc (09022015). Collection method: clinical testing. Allele origin: germline.
Comment: In summary, the available evidence is currently insufficient to determine the role of this variant in disease. Therefore, it has been classified as a Variant of Uncertain Significance. An algorithm developed to predict the effect of missense changes on protein structure and function (PolyPhen-2) suggests that this variant is likely to be disruptive. ClinVar contains an entry for this variant (Variation ID: 1908074). This variant has not been reported in the literature in individuals affected with TNNI3K-related conditions. This variant is not present in population databases (gnomAD no frequency). This sequence change replaces glutamic acid, which is acidic and polar, with lysine, which is basic and polar, at codon 598 of the TNNI3K protein (p.Glu598Lys).

NM_015978.3(TNNI3K):c.1792G>A (p.Glu598Lys)

Genes: FPGT-TNNI3K (FPGT-TNNI3K readthrough; plus strand), TNNI3K (TNNI3 interacting kinase; plus strand). Cytogenetic location: 1p31.1.
Variant type: single nucleotide variant.
Coding change: c.1792G>A on transcript NM_015978.3 (MANE Select); coding-DNA position 1792, G replaced by A.
Protein change: p.Glu598Lys; replaces glutamic acid 598 with lysine.
Molecular consequence: missense variant.
Genome position (GRCh38, 1-based): chr1:74,436,099, G>A. VCF-style: chr1-74436099-G-A. GRCh37 (hg19) VCF-style: chr1-74901783-G-A.
Other names: c.2095G>A, p.Glu699Lys (NM_001112808.3, NM_001199327.2); short protein forms E699K, E598K.
Identifiers: ClinVar variation 1908074 (VCV001908074.5), dbSNP rs1666114784, ClinGen allele CA340788721.